The following is an entry in ClinVar:

NM_000293.3(PHKB):c.1126G>T (p.Gly376Ter)

Gene: PHKB (phosphorylase kinase regulatory subunit beta; plus strand). Cytogenetic location: 16q12.1.
Variant type: single nucleotide variant.
Coding change: c.1126G>T on transcript NM_000293.3 (MANE Select); coding-DNA position 1126, G replaced by T.
Protein change: p.Gly376Ter; replaces glycine 376 with a stop codon.
Molecular consequence: nonsense.
Genome position (GRCh38, 1-based): chr16:47,593,557, G>T. VCF-style: chr16-47593557-G-T. GRCh37 (hg19) VCF-style: chr16-47627468-G-T.
Other names: c.1105G>T, p.Gly369Ter (NM_001031835.3); c.1126G>T, p.Gly376Ter (NM_001363837.1); short protein forms G369*, G376*.
Identifiers: ClinVar variation 3615561 (VCV003615561.2).

ClinVar aggregate classification (germline): Pathogenic (1 of 4 stars; one submission).

Conditions:
Glycogen storage disease IXb (GSD9B). Also called: GLYCOGENOSIS OF LIVER AND MUSCLE, AUTOSOMAL RECESSIVE; GSD IXb; PHOSPHORYLASE KINASE DEFICIENCY OF LIVER AND MUSCLE, AUTOSOMAL RECESSIVE. Identifiers: Orphanet 79240, MedGen C0543514, MONDO:0009868, OMIM 261750.

Submission:

Labcorp Genetics (formerly Invitae), Labcorp
Classification: Pathogenic for Glycogen storage disease IXb. Last evaluated: 2024-11-04. Review status: criteria provided, single submitter. Criteria: Invitae Variant Classification Sherloc (09022015). Collection method: clinical testing. Allele origin: germline.
Comment: This sequence change creates a premature translational stop signal (p.Gly376*) in the PHKB gene. It is expected to result in an absent or disrupted protein product. Loss-of-function variants in PHKB are known to be pathogenic (PMID: 9215682, 9326319). This variant is not present in population databases (gnomAD no frequency). This variant has not been reported in the literature in individuals affected with PHKB-related conditions. Algorithms developed to predict the effect of sequence changes on RNA splicing suggest that this variant may disrupt the consensus splice site. For these reasons, this variant has been classified as Pathogenic.

Literature cited by the submitters: PubMed 9215682; PubMed 9326319.